The following is an entry in ClinVar:

NM_002303.6(LEPR):c.1055G>T (p.Cys352Phe)

Gene: LEPR (leptin receptor; plus strand). Cytogenetic location: 1p31.3.
Variant type: single nucleotide variant.
Coding change: c.1055G>T on transcript NM_002303.6 (MANE Select); coding-DNA position 1055, G replaced by T.
Protein change: p.Cys352Phe; replaces cysteine 352 with phenylalanine.
Molecular consequence: missense variant.
Genome position (GRCh38, 1-based): chr1:65,601,452, G>T. VCF-style: chr1-65601452-G-T. GRCh37 (hg19) VCF-style: chr1-66067135-G-T.
Other names: c.1055G>T (NM_002303.5); c.1055G>T, p.Cys352Phe (NM_001003679.3, NM_001003680.3, NM_001198687.2 and 2 more transcripts); short protein forms C352F.
Identifiers: ClinVar variation 393363 (VCV000393363.3), dbSNP rs1057524881, ClinGen allele CA16609242.

ClinVar aggregate classification (germline): Uncertain significance. Review status: criteria provided, single submitter (1 of 4 stars). 2 submissions from 2 submitters: Uncertain significance (1). 1 of the submissions does not count toward it. Last evaluated 2015-10-13.

Conditions:
LEPR-related disorder. Also called: LEPR-related condition; LEPR-related disorders.
Monogenic diabetes. Identifiers: Orphanet 183625, MedGen C3888631, MONDO:0015967.

Submissions (2):

Personalized Diabetes Medicine Program, University of Maryland School of Medicine
Classification: Uncertain significance for Monogenic diabetes. Last evaluated: 2015-10-13. Review status: criteria provided, single submitter. Criteria: ACMG Guidelines, 2015. Collection method: research. Allele origin: unknown. Observed: 1 variant allele, 1 heterozygote.
Comment: ACMG Criteria: PM2, PP3

PreventionGenetics, part of Exact Sciences
Classification: Uncertain significance for LEPR-related condition. Last evaluated: 2023-12-20. Review status: no assertion criteria provided. Collection method: clinical testing. Allele origin: germline. Not counted in ClinVar's aggregate classification.
Comment: The LEPR c.1055G>T variant is predicted to result in the amino acid substitution p.Cys352Phe. To our knowledge, this variant has not been reported in the literature or in a large population database, indicating this variant is rare. At this time, the clinical significance of this variant is uncertain due to the absence of conclusive functional and genetic evidence.